The following is an entry in ClinVar:

NM_024596.5(MCPH1):c.2254C>G (p.Arg752Gly)

Genes: MCPH1 (microcephalin 1; plus strand), MCPH1-AS1 (MCPH1 antisense RNA 1; minus strand). Cytogenetic location: 8p23.1.
Variant type: single nucleotide variant.
Coding change: c.2254C>G on transcript NM_024596.5 (MANE Select); coding-DNA position 2254, C replaced by G.
Protein change: p.Arg752Gly; replaces arginine 752 with glycine.
Molecular consequence: missense variant. On other transcripts: non-coding transcript variant (1).
Genome position (GRCh38, 1-based): chr8:6,621,493, C>G. VCF-style: chr8-6621493-C-G. GRCh37 (hg19) VCF-style: chr8-6479014-C-G.
Other names: c.2254C>G, p.Arg752Gly (NM_001322042.2, NM_001363979.1); c.1975C>G, p.Arg659Gly (NM_001363980.2); short protein forms R752G, R659G.
Identifiers: ClinVar variation 908237 (VCV000908237.5), dbSNP rs373658774, ClinGen allele CA4611478.

ClinVar aggregate classification (germline): Uncertain significance. Review status: criteria provided, multiple submitters, no conflicts (2 of 4 stars). 2 submissions from 2 submitters: Uncertain significance (2). Last evaluated 2022-08-09.

Conditions:
Microcephaly 1, primary, autosomal recessive (MCPH1). Also called: PREMATURE CHROMOSOME CONDENSATION SYNDROME; PCC SYNDROME; PREMATURE CHROMOSOME CONDENSATION WITH MICROCEPHALY AND MENTAL RETARDATION. Identifiers: Orphanet 2512, MedGen C1855081, MONDO:0009617, OMIM 251200.

Allele frequency attached by ClinVar (database versions not stated): TOPMed 0.00003.
gnomAD v4.1: 98 of 1,614,006 alleles (0.0061%); highest among the groups gnomAD compares: Middle Eastern, 0.049%; no homozygotes.

Submissions (2):

Labcorp Genetics (formerly Invitae), Labcorp
Classification: Uncertain significance. Last evaluated: 2022-08-09. Review status: criteria provided, single submitter. Criteria: Invitae Variant Classification Sherloc (09022015). Collection method: clinical testing. Allele origin: germline.
Comment: This sequence change replaces arginine, which is basic and polar, with glycine, which is neutral and non-polar, at codon 752 of the MCPH1 protein (p.Arg752Gly). This variant is present in population databases (rs373658774, gnomAD 0.01%). This variant has not been reported in the literature in individuals affected with MCPH1-related conditions. ClinVar contains an entry for this variant (Variation ID: 908237). Algorithms developed to predict the effect of missense changes on protein structure and function are either unavailable or do not agree on the potential impact of this missense change (SIFT: "Not Available"; PolyPhen-2: "Benign"; Align-GVGD: "Not Available"). In summary, the available evidence is currently insufficient to determine the role of this variant in disease. Therefore, it has been classified as a Variant of Uncertain Significance.

Illumina Laboratory Services, Illumina
Classification: Uncertain significance for Microcephaly 1, primary, autosomal recessive. Last evaluated: 2018-01-12. Review status: criteria provided, single submitter. Criteria: ICSL Variant Classification Criteria 13 December 2019. Collection method: clinical testing. Allele origin: germline.